The following is an entry in ClinVar:

NM_002055.5(GFAP):c.406C>T (p.Arg136Trp)

Gene: GFAP (glial fibrillary acidic protein; minus strand). Cytogenetic location: 17q21.31.
Variant type: single nucleotide variant.
Coding change: c.406C>T on transcript NM_002055.5 (MANE Select); coding-DNA position 406, C replaced by T.
Protein change: p.Arg136Trp; replaces arginine 136 with tryptophan.
Molecular consequence: missense variant.
Genome position (GRCh38, 1-based): chr17:44,915,081, G>A on the plus strand (C>T on the coding strand, the complement: GFAP is on the minus strand). VCF-style: chr17-44915081-G-A. GRCh37 (hg19) VCF-style: chr17-42992449-G-A.
Other names: p.Arg136Trp; c.406C>T, p.Arg136Trp (NM_001131019.3, NM_001242376.3, NM_001363846.2); short protein forms R136W.
Identifiers: ClinVar variation 2386391 (VCV002386391.3), dbSNP rs774799414, ClinGen allele CA291034039.

ClinVar aggregate classification (germline): Uncertain significance. Review status: criteria provided, multiple submitters, no conflicts (2 of 4 stars). 2 submissions from 2 submitters: Uncertain significance (2). Last evaluated 2023-12-13.

Conditions:
Inborn genetic diseases. Identifiers: MedGen C0950123, MeSH D030342.

Allele frequency attached by ClinVar (database versions not stated): gnomAD 0.00001; TOPMed 0.00001.
gnomAD v4.1: 16 of 1,613,222 alleles (0.00099%); highest among the groups gnomAD compares: Middle Eastern, 0.016%; no homozygotes.

Submissions (2):

Mayo Clinic Laboratories, Mayo Clinic
Classification: Uncertain significance. Last evaluated: 2023-12-13. Review status: criteria provided, single submitter. Criteria: ACMG Guidelines, 2015. Collection method: clinical testing. Allele origin: germline. Observed: 1 variant allele.
Comment: PP3

Ambry Genetics
Classification: Uncertain significance for Inborn genetic diseases. Last evaluated: 2022-12-01. Review status: criteria provided, single submitter. Criteria: Ambry Variant Classification Scheme 2023. Collection method: clinical testing. Allele origin: germline.